The following is an entry in ClinVar:

ClinVar aggregate classification (germline): Uncertain significance (1 of 4 stars; one submission).

Conditions:
Emery-Dreifuss muscular dystrophy (EDMD). Also called: Scapuloperoneal syndrome, X-linked (formerly); Humeroperoneal neuromuscular disease, (formerly). Identifiers: Orphanet 261, MedGen C0410189, MONDO:0016830.

Allele frequency attached by ClinVar (database versions not stated): gnomAD exomes below 0.00001; gnomAD 0.00001.
gnomAD v4.1: 5 of 1,613,924 alleles (0.00031%); highest among the groups gnomAD compares: African/African-American, 0.0013%; no homozygotes.

Submission:

Labcorp Genetics (formerly Invitae), Labcorp
Classification: Uncertain significance for Emery-Dreifuss muscular dystrophy. Last evaluated: 2024-01-04. Review status: criteria provided, single submitter. Criteria: Invitae Variant Classification Sherloc (09022015). Collection method: clinical testing. Allele origin: germline.
Comment: This sequence change replaces proline, which is neutral and non-polar, with leucine, which is neutral and non-polar, at codon 655 of the SUN1 protein (p.Pro655Leu). This variant is present in population databases (no rsID available, gnomAD 0.004%). This variant has not been reported in the literature in individuals affected with SUN1-related conditions. ClinVar contains an entry for this variant (Variation ID: 1512646). An algorithm developed to predict the effect of missense changes on protein structure and function (PolyPhen-2) suggests that this variant is likely to be disruptive. In summary, the available evidence is currently insufficient to determine the role of this variant in disease. Therefore, it has been classified as a Variant of Uncertain Significance.

NM_001130965.3(SUN1):c.1964C>T (p.Pro655Leu)

Gene: SUN1 (Sad1 and UNC84 domain containing 1; plus strand). Cytogenetic location: 7p22.3.
Variant type: single nucleotide variant.
Coding change: c.1964C>T on transcript NM_001130965.3 (MANE Select); coding-DNA position 1964, C replaced by T.
Protein change: p.Pro655Leu; replaces proline 655 with leucine.
Molecular consequence: missense variant. On other transcripts: non-coding transcript variant (3).
Genome position (GRCh38, 1-based): chr7:866,051, C>T. VCF-style: chr7-866051-C-T. GRCh37 (hg19) VCF-style: chr7-905688-C-T.
Other names: c.1655C>T, p.Pro552Leu (NM_001171944.2); c.1964C>T, p.Pro655Leu (NM_001367633.1, NM_001367634.1, NM_001367653.1); c.1613C>T, p.Pro538Leu (NM_001367635.1); c.2204C>T, p.Pro735Leu (NM_001367636.1, NM_001367691.1); c.2072C>T, p.Pro691Leu (NM_001367638.1); c.1505C>T, p.Pro502Leu (NM_001367639.1); c.2144C>T, p.Pro715Leu (NM_001367640.1); c.2246C>T, p.Pro749Leu (NM_001367641.1, NM_001367682.1); and 43 more; short protein forms P466L, P502L, P552L, P594L, P664L, P671L, P681L, P705L.
Identifiers: ClinVar variation 1512646 (VCV001512646.6), dbSNP rs1193272206, ClinGen allele CA366534911.